The following is an entry in ClinVar:

ClinVar aggregate classification (germline): Uncertain significance (1 of 4 stars; one submission).

gnomAD v4.1: 3 of 1,611,534 alleles (0.00019%); highest among the groups gnomAD compares: Non-Finnish European, 0.00017%; no homozygotes.

Submission:

Labcorp Genetics (formerly Invitae), Labcorp
Classification: Uncertain significance. Last evaluated: 2025-12-22. Review status: criteria provided, single submitter. Criteria: Invitae Variant Classification Sherloc (09022015). Collection method: clinical testing. Allele origin: germline.
Comment: This sequence change replaces lysine, which is basic and polar, with glutamic acid, which is acidic and polar, at codon 574 of the TAOK2 protein (p.Lys574Glu). This variant is present in population databases (rs755236889, gnomAD 0.003%). This variant has not been reported in the literature in individuals affected with TAOK2-related conditions. An algorithm developed to predict the effect of missense changes on protein structure and function (PolyPhen-2) suggests that this variant is likely to be disruptive. In summary, the available evidence is currently insufficient to determine the role of this variant in disease. Therefore, it has been classified as a Variant of Uncertain Significance.

NM_016151.4(TAOK2):c.1720A>G (p.Lys574Glu)

Gene: TAOK2 (TAO kinase 2; plus strand). Cytogenetic location: 16p11.2.
Variant type: single nucleotide variant.
Coding change: c.1720A>G on transcript NM_016151.4 (MANE Select); coding-DNA position 1720, A replaced by G.
Protein change: p.Lys574Glu; replaces lysine 574 with glutamic acid.
Molecular consequence: missense variant.
Genome position (GRCh38, 1-based): chr16:29,985,510, A>G. VCF-style: chr16-29985510-A-G. GRCh37 (hg19) VCF-style: chr16-29996831-A-G.
Other names: c.1720A>G, p.Lys574Glu (NM_001252043.2, NM_004783.4); short protein forms K574E.
Identifiers: ClinVar variation 4700959 (VCV004700959.1).
Genomic context (GRCh38, chr16:29,985,510, plus strand): 5'-GCACGAGCTGCCCAGGCCGAGGAGCGGAAGTTCCAGCAGCACATCCTTGGGCAGCAGAAG[A>G]AGGAGCTGGCTGCCCTGCTGGAGGCACAGAAGCGGACCTACAAACTTCGCAAGGAACAGC-3'
Protein context (NP_057235.2, residues 564-584): FQQHILGQQK[Lys574Glu]ELAALLEAQK